The following is an entry in ClinVar:

NM_004115.4(FGF14):c.429C>A (p.Cys143Ter)

Gene: FGF14 (fibroblast growth factor 14; minus strand). Cytogenetic location: 13q33.1.
Variant type: single nucleotide variant.
Coding change: c.429C>A on transcript NM_004115.4 (MANE Select); coding-DNA position 429, C replaced by A.
Protein change: p.Cys143Ter; replaces cysteine 143 with a stop codon.
Molecular consequence: nonsense.
Genome position (GRCh38, 1-based): chr13:101,726,790, G>T on the plus strand (C>A on the coding strand, the complement: FGF14 is on the minus strand). VCF-style: chr13-101726790-G-T. GRCh37 (hg19) VCF-style: chr13-102379140-G-T.
Other names: c.177C>A, p.Cys59Ter (NM_001321934.1, NM_001321935.1, NM_001321942.1 and 4 more transcripts); c.240C>A, p.Cys80Ter (NM_001321936.1, NM_001321944.1, NM_001321932.1); c.249C>A, p.Cys83Ter (NM_001321938.2, NM_001321940.1, NM_001321933.1); c.333C>A, p.Cys111Ter (NM_001321939.2); c.243C>A, p.Cys81Ter (NM_001321941.2); c.327C>A, p.Cys109Ter (NM_001321945.2, NM_001321948.2, NM_001379342.1); c.288C>A, p.Cys96Ter (NM_001321947.2); c.444C>A, p.Cys148Ter (NM_175929.3); short protein forms C81*, C83*, C148*, C96*, C111*, C80*, C109*, C143*.
Identifiers: ClinVar variation 930645 (VCV000930645.3), dbSNP rs2035466147, ClinGen allele CA388711392.

ClinVar aggregate classification (germline): Uncertain significance (1 of 4 stars; one submission).

Conditions:
Spinocerebellar ataxia type 27 (SCA27). Identifiers: Orphanet 98764, MedGen C1836383, MONDO:0012247.

Submission:

Centre for Mendelian Genomics, University Medical Centre Ljubljana
Classification: Uncertain significance for Spinocerebellar ataxia 27A. Last evaluated: 2020-01-28. Review status: criteria provided, single submitter. Criteria: ACMG Guidelines, 2015. Collection method: clinical testing. Allele origin: unknown. Affected: yes.
Comment: This variant was classified as: Uncertain significance. The available evidence favors the pathogenic nature of this variant, however the currently available data is insufficient to conclusively support its pathogenic nature. Thus this variant is classified as Uncertain significance - favor pathogenic. The following ACMG criteria were applied in classifying this variant: PM2,PP3.